The following is an entry in ClinVar:

NM_000260.4(MYO7A):c.754_757dup (p.His253fs)

Gene: MYO7A (myosin VIIA; plus strand). Cytogenetic location: 11q13.5.
Variant type: Duplication.
Coding change: c.754_757dup on transcript NM_000260.4 (MANE Select); coding-DNA positions 754 to 757, 4 bases duplicated (TACC; older notation c.754_757dupTACC).
Protein change: p.His253fs; shifts the reading frame from histidine 253.
Molecular consequence: frameshift variant.
Genome position (GRCh38, 1-based): chr11:77,157,297-77,157,300, TACC duplicated; duplicating any 4 consecutive bases within chr11:77,157,296-77,157,300 gives the same sequence; the c. name uses the placement nearest the transcript's 3' end. VCF-style (leftmost placement, unchanged base first): chr11-77157295-A-ACTAC. GRCh37 (hg19) VCF-style: chr11-76868341-A-ACTAC.
Other names: c.754_757dup, p.His253fs (NM_001127180.2); c.721_724dup, p.His242fs (NM_001369365.1); short protein forms H242fs, H253fs.
Identifiers: ClinVar variation 3601499 (VCV003601499.1).

ClinVar aggregate classification (germline): Likely pathogenic (1 of 4 stars; one submission).

Conditions:
Autosomal recessive nonsyndromic hearing loss 2. Also called: NEUROSENSORY NONSYNDROMIC RECESSIVE DEAFNESS 2; DEAFNESS, AUTOSOMAL RECESSIVE 2. Identifiers: Orphanet 90636, MedGen C1838701, MONDO:0010807, OMIM 600060.

Submission:

Institute of Rare Diseases, West China Hospital, Sichuan University
Classification: Likely pathogenic for Autosomal recessive nonsyndromic hearing loss 2. Last evaluated: 2025-01-09. Review status: criteria provided, single submitter. Criteria: ClinGen HL ACMG Specifications v1. Collection method: research. Allele origin: germline. Affected: yes.
Comment: PVS1;PM2_Supporting